The following is an entry in ClinVar:

NM_001374736.1(DST):c.17923-2A>G

Gene: DST (dystonin; minus strand). Cytogenetic location: 6p12.1.
Variant type: single nucleotide variant.
Coding change: c.17923-2A>G on transcript NM_001374736.1 (MANE Select); the canonical splice acceptor site of the intron before coding-DNA position 17923, A replaced by G.
Molecular consequence: splice acceptor variant.
Genome position (GRCh38, 1-based): chr6:56,526,569, T>C on the plus strand (A>G on the coding strand, the complement: DST is on the minus strand). VCF-style: chr6-56526569-T-C. GRCh37 (hg19) VCF-style: chr6-56391367-T-C.
Other names: c.11566-2A>G (NM_001144769.5); c.17923-2A>G (NM_001374722.1); c.17950-2A>G (NM_001374734.1); c.11152-2A>G (NM_001144770.2); c.10705-2A>G (NM_001374730.1); c.11032-2A>G (NM_001386100.1, NM_183380.4); c.16963-2A>G (NM_001374729.1); c.10054-2A>G (NM_015548.5).
Identifiers: ClinVar variation 1478332 (VCV001478332.6), dbSNP rs2152506082, ClinGen allele CA364506019.
Genomic context (GRCh38, chr6:56,526,569, plus strand): 5'-CTCACTTCATTAAGGGAGTCCAGTAAGGCTTTGTTGTTCTTAGCTTCCTTTTTCAGTTCC[T>C]GAAAACATACAAATAAGTTAGTAACACTTAAGAGCTTCAACAGACTTTTCCTTTAACTGT-3'

ClinVar aggregate classification (germline): Likely pathogenic (1 of 4 stars; one submission).

Conditions:
Hereditary sensory and autonomic neuropathy type 6. Also called: Neuropathy, hereditary sensory and autonomic, type VI; HSAN VI. Identifiers: Orphanet 314381, MedGen C3539003, MONDO:0013839, OMIM 614653.
Epidermolysis bullosa simplex 3, localized or generalized intermediate, with BP230 deficiency (EBS3). Also called: Epidermolysis bullosa simplex due to BP230 deficiency; Epidermolysis bullosa simplex, autosomal recessive 2. Identifiers: Orphanet 412181, MedGen C3809470, MONDO:0014180, OMIM 615425.

gnomAD v4.1: 3 of 1,612,934 alleles (0.00019%); highest among the groups gnomAD compares: Non-Finnish European, 0.00025%; no homozygotes.

Submission:

Labcorp Genetics (formerly Invitae), Labcorp
Classification: Likely pathogenic for Epidermolysis bullosa simplex 3, localized or generalized intermediate, with BP230 deficiency; Hereditary sensory and autonomic neuropathy type 6. Last evaluated: 2021-08-27. Review status: criteria provided, single submitter. Criteria: Invitae Variant Classification Sherloc (09022015). Collection method: clinical testing. Allele origin: germline.
Comment: This variant has not been reported in the literature in individuals affected with DST-related conditions. In summary, the currently available evidence indicates that the variant is pathogenic, but additional data are needed to prove that conclusively. Therefore, this variant has been classified as Likely Pathogenic. This variant is not present in population databases (ExAC no frequency). This sequence change affects an acceptor splice site in intron 49 of the DST gene. The DST gene has multiple clinically relevant transcripts. This variant occurs in alternate transcript NM_015548.4, and corresponds to NM_001723.5:c.*88948A>G in the primary transcript. It is expected to disrupt RNA splicing. Variants that disrupt the donor or acceptor splice site typically lead to a loss of protein function (PMID: 16199547), and loss-of-function variants in DST are known to be pathogenic (PMID: 22522446, 25059916, 30371979).

Literature cited by the submitters: PubMed 16199547; PubMed 22522446; PubMed 25059916; PubMed 30371979.